The following is an entry in ClinVar:

ClinVar aggregate classification (germline): Likely pathogenic (1 of 4 stars; one submission).

Conditions:
Hypertrophic cardiomyopathy 26. Also called: Cardiomyopathy, familial hypertrophic, 26. Identifiers: Orphanet 75249, MedGen C4310749, MONDO:0014883, OMIM 617047.

Submission:

Institute of Human Genetics, Heidelberg University
Classification: Likely pathogenic for Hypertrophic cardiomyopathy 26. Last evaluated: 2026-07-23. Review status: criteria provided, single submitter. Criteria: ACMG Guidelines, 2015. Collection method: clinical testing. Allele origin: unknown. Observed: 1 variant allele.
Comment: PVS1_strong, PM2_mod

NM_001458.5(FLNC):c.251del (p.Arg84fs)

Gene: FLNC (filamin C; plus strand). Cytogenetic location: 7q32.1.
Variant type: Deletion.
Coding change: c.251del on transcript NM_001458.5 (MANE Select); coding-DNA position 251, one base deleted (G; older notation c.251delG).
Protein change: p.Arg84fs; shifts the reading frame from arginine 84.
Molecular consequence: frameshift variant.
Genome position (GRCh38, 1-based): chr7:128,830,888, G deleted. VCF-style (leftmost placement, unchanged base first): chr7-128830887-CG-C. GRCh37 (hg19) VCF-style: chr7-128470941-CG-C.
Other names: c.251del, p.Arg84fs (NM_001127487.2); short protein forms R84fs.
Identifiers: ClinVar variation 4884431 (VCV004884431.1).